The following is an entry in ClinVar:

NM_000186.4(CFH):c.3427C>G (p.Gln1143Glu)

Gene: CFH (complement factor H; plus strand). Cytogenetic location: 1q31.3.
Variant type: single nucleotide variant.
Coding change: c.3427C>G on transcript NM_000186.4 (MANE Select); coding-DNA position 3427, C replaced by G.
Protein change: p.Gln1143Glu; replaces glutamine 1143 with glutamic acid.
Molecular consequence: missense variant.
Genome position (GRCh38, 1-based): chr1:196,745,933, C>G. VCF-style: chr1-196745933-C-G. GRCh37 (hg19) VCF-style: chr1-196715063-C-G.
Other names: p.Gln1143Glu; short protein forms Q1143E.
Identifiers: ClinVar variation 294525 (VCV000294525.22), dbSNP rs15809, ClinGen allele CA1305952.
Genomic context (GRCh38, chr1:196,745,933, plus strand): 5'-TTCCCGTTGTCAGTATATGCTCCAGCTTCATCAGTTGAGTACCAATGCCAGAACTTGTAT[C>G]AACTTGAGGGTAACAAGCGAATAACATGTAGAAATGGACAATGGTCAGAACCACCAAAAT-3'
Protein context (NP_000177.2, residues 1133-1153): SVEYQCQNLY[Gln1143Glu]LEGNKRITCR

ClinVar aggregate classification (germline): Benign/Likely benign. Review status: criteria provided, multiple submitters, no conflicts (2 of 4 stars). 14 submissions from 8 submitters: Benign (13); Likely benign (1). Last evaluated 2026-09-17.

Conditions:
Basal laminar drusen. Also called: DRUSEN OF BRUCH MEMBRANE; DRUSEN, CUTICULAR; DRUSEN, EARLY ADULT-ONSET, GROUPED. Identifiers: Orphanet 75376, MedGen C0730295, MONDO:0007472, OMIM 126700.
Factor H deficiency (CFHD). Also called: COMPLEMENT FACTOR H DEFICIENCY; CFH DEFICIENCY. Identifiers: Orphanet 200421, MedGen C0398777, MONDO:0012350, OMIM 609814.
Age related macular degeneration 4. Identifiers: MedGen C1853147, MONDO:0012540, OMIM 610698.
Atypical hemolytic-uremic syndrome. Identifiers: Orphanet 2134, MedGen C2931788, MONDO:0016244.
CFH-Related Dense Deposit Disease / Membranoproliferative Glomerulonephritis Type II. Identifiers: MedGen CN071292.
Hemolytic uremic syndrome, atypical, susceptibility to, 1. Also called: AHUS, SUSCEPTIBILITY TO, 1. Identifiers: Orphanet 2134, Orphanet 90038, MedGen C2749604, MONDO:0009335, OMIM 235400. Disease mechanism: Other.

Allele frequency attached by ClinVar (database versions not stated): 1000 Genomes Project 0.03295; TOPMed 0.03323; 1000 Genomes Project 30x 0.03467; ESP Exome Variant Server 0.03471.
gnomAD v4.1: 8,603 of 1,614,016 alleles (0.53%); highest among the groups gnomAD compares: African/African-American, 10%; 388 homozygotes.

Submissions (14):

Genomenon, Inc
Classification: Benign for Age related macular degeneration 4; Atypical hemolytic-uremic syndrome; Factor H deficiency; Basal laminar drusen. Last evaluated: 2026-09-17. Review status: criteria provided, single submitter. Criteria: Genomenon Sequence Variant Interpretation Standards - Updated. Collection method: curation. Allele origin: germline. Affected: no.
Comment: CFH p.Gln1143Glu (c.3427C>G) is a missense variant that changes the amino acid at codon 1143 from glutamine to glutamic acid. This variant is present at high allele frequency in population databases. We classify CFH p.Gln1143Glu (c.3427C>G) as a benign variant.

Labcorp Genetics (formerly Invitae), Labcorp
Classification: Benign. Last evaluated: 2026-02-02. Review status: criteria provided, single submitter. Criteria: Invitae Variant Classification Sherloc (09022015). Collection method: clinical testing. Allele origin: germline.

Blueprint Genetics
Classification: Likely benign. Last evaluated: 2024-11-26. Review status: criteria provided, single submitter. Criteria: ACMG Guidelines, 2015. Collection method: clinical testing. Allele origin: germline.

Genome-Nilou Lab
Classification: Benign for Hemolytic uremic syndrome, atypical, susceptibility to, 1. Last evaluated: 2023-04-11. Review status: criteria provided, single submitter. Criteria: ACMG Guidelines, 2015. Collection method: clinical testing. Allele origin: germline. Affected: no.

Genome-Nilou Lab
Classification: Benign for Age related macular degeneration 4. Last evaluated: 2023-04-11. Review status: criteria provided, single submitter. Criteria: ACMG Guidelines, 2015. Collection method: clinical testing. Allele origin: germline. Affected: no.

Genome-Nilou Lab
Classification: Benign for Basal laminar drusen. Last evaluated: 2023-04-11. Review status: criteria provided, single submitter. Criteria: ACMG Guidelines, 2015. Collection method: clinical testing. Allele origin: germline. Affected: no.

Genome-Nilou Lab
Classification: Benign for Factor H deficiency. Last evaluated: 2023-04-11. Review status: criteria provided, single submitter. Criteria: ACMG Guidelines, 2015. Collection method: clinical testing. Allele origin: germline. Affected: no.

Mayo Clinic Laboratories, Mayo Clinic
Classification: Benign. Last evaluated: 2022-09-29. Review status: criteria provided, single submitter. Criteria: ACMG Guidelines, 2015. Collection method: clinical testing. Allele origin: germline. Observed: 299 variant alleles.
Comment: BA1

GeneDx
Classification: Benign. Last evaluated: 2019-01-18. Review status: criteria provided, single submitter. Criteria: GeneDx Variant Classification Process June 2021. Collection method: clinical testing. Allele origin: germline. Affected: yes.
Comment: This variant is associated with the following publications: (PMID: 29888403)

Illumina Laboratory Services, Illumina
Classification: Benign for Basal laminar drusen. Last evaluated: 2018-01-13. Review status: criteria provided, single submitter. Criteria: ICSL Variant Classification Criteria 13 December 2019. Collection method: clinical testing. Allele origin: germline.
Comment: This variant was observed in the ICSL laboratory as part of a predisposition screen in an ostensibly healthy population. It had not been previously curated by ICSL or reported in the Human Gene Mutation Database (HGMD: prior to June 1st, 2018), and was therefore a candidate for classification through an automated scoring system. Utilizing variant allele frequency, disease prevalence and penetrance estimates, and inheritance mode, an automated score was calculated to assess if this variant is too frequent to cause the disease. Based on the score and internal cut-off values, a variant classified as benign is not then subjected to further curation. The score for this variant resulted in a classification of benign for this disease.

Illumina Laboratory Services, Illumina
Classification: Benign for Age related macular degeneration 4. Last evaluated: 2018-01-13. Review status: criteria provided, single submitter. Criteria: ICSL Variant Classification Criteria 13 December 2019. Collection method: clinical testing. Allele origin: germline.
Comment: the same text as in the submission from Illumina Laboratory Services, Illumina above.

Illumina Laboratory Services, Illumina
Classification: Benign for Membranoproliferative glomerulonephritis with complement factor h deficiency. Last evaluated: 2018-01-13. Review status: criteria provided, single submitter. Criteria: ICSL Variant Classification Criteria 13 December 2019. Collection method: clinical testing. Allele origin: germline.
Comment: the same text as in the submission from Illumina Laboratory Services, Illumina above.

Illumina Laboratory Services, Illumina
Classification: Benign for Hemolytic uremic syndrome, atypical, susceptibility to, 1. Last evaluated: 2018-01-13. Review status: criteria provided, single submitter. Criteria: ICSL Variant Classification Criteria 13 December 2019. Collection method: clinical testing. Allele origin: germline.
Comment: the same text as in the submission from Illumina Laboratory Services, Illumina above.

Breakthrough Genomics
Classification: Benign. Review status: criteria provided, single submitter. Criteria: ACMG Guidelines, 2015. Collection method: not provided. Allele origin: germline. Inheritance: Autosomal recessive inheritance. Affected: yes.